The following is an entry in ClinVar:

ClinVar aggregate classification (germline): Uncertain significance (1 of 4 stars; one submission).

gnomAD v4.1: 8 of 1,613,504 alleles (0.0005%); highest among the groups gnomAD compares: Non-Finnish European, 0.00051%; no homozygotes.

Submission:

Labcorp Genetics (formerly Invitae), Labcorp
Classification: Uncertain significance. Last evaluated: 2025-06-11. Review status: criteria provided, single submitter. Criteria: Invitae Variant Classification Sherloc (09022015). Collection method: clinical testing. Allele origin: germline.
Comment: This sequence change replaces asparagine, which is neutral and polar, with lysine, which is basic and polar, at codon 410 of the ARHGEF10 protein (p.Asn410Lys). This variant is present in population databases (no rsID available, gnomAD 0.0009%). This variant has not been reported in the literature in individuals affected with ARHGEF10-related conditions. Invitae Evidence Modeling of protein sequence and biophysical properties (such as structural, functional, and spatial information, amino acid conservation, physicochemical variation, residue mobility, and thermodynamic stability) has been performed for this missense variant. However, the output from this modeling did not meet the statistical confidence thresholds required to predict the impact of this variant on ARHGEF10 protein function. Algorithms developed to predict the effect of sequence changes on RNA splicing suggest that this variant may create or strengthen a splice site. In summary, the available evidence is currently insufficient to determine the role of this variant in disease. Therefore, it has been classified as a Variant of Uncertain Significance.

NM_014629.4(ARHGEF10):c.1230C>G (p.Asn410Lys)

Gene: ARHGEF10 (Rho guanine nucleotide exchange factor 10; plus strand). Cytogenetic location: 8p23.3.
Variant type: single nucleotide variant.
Coding change: c.1230C>G on transcript NM_014629.4 (MANE Select); coding-DNA position 1230, C replaced by G.
Protein change: p.Asn410Lys; replaces asparagine 410 with lysine.
Molecular consequence: missense variant.
Genome position (GRCh38, 1-based): chr8:1,893,616, C>G. VCF-style: chr8-1893616-C-G. GRCh37 (hg19) VCF-style: chr8-1841782-C-G.
Other names: c.1116C>G, p.Asn372Lys (NM_001308152.2, NM_001438092.1, NM_001438094.1); c.1233C>G, p.Asn411Lys (NM_001308153.3, NM_001438091.1); c.1113C>G, p.Asn371Lys (NM_001438093.1); short protein forms N372K, N410K, N371K, N411K, N435K.
Identifiers: ClinVar variation 4692391 (VCV004692391.1).